The following is an entry in ClinVar:

NM_001257096.2(PAX1):c.84G>C (p.Ala28=)

Gene: PAX1 (paired box 1; plus strand). Cytogenetic location: 20p11.22.
Variant type: single nucleotide variant.
Coding change: c.84G>C on transcript NM_001257096.2 (MANE Select); coding-DNA position 84, G replaced by C.
Protein change: p.Ala28=; no amino-acid change (alanine 28 retained).
Molecular consequence: synonymous variant.
Genome position (GRCh38, 1-based): chr20:21,705,796, G>C. VCF-style: chr20-21705796-G-C. GRCh37 (hg19) VCF-style: chr20-21686434-G-C.
Other names: c.84G>C, p.Ala28= (NM_006192.5).
Identifiers: ClinVar variation 730360 (VCV000730360.16), dbSNP rs548440049, ClinGen allele CA9786382.
Genomic context (GRCh38, chr20:21,705,796, plus strand): 5'-GTCGCGGGCGTGGAGAGTGTCCTGGGAGGGGGCAGCAGCGGCGGCGGCAGGCCCTGGAGC[G>C]GGCGGCAGCGCGCTCCGCTGCCGCGCACAGCGCGTCTCCAGCCCGCGGCTGGGCCGCCGC-3'
Protein context (NP_001244025.1, residues 18-38): GAAAAAAGPG[Ala28=]GGSALRCRAQ

ClinVar aggregate classification (germline): Benign/Likely benign. Review status: criteria provided, multiple submitters, no conflicts (2 of 4 stars). 5 submissions from 5 submitters: Benign (2); Likely benign (2). 1 of the submissions does not count toward it. Last evaluated 2026-09-01.

Conditions:
PAX1-related disorder. Also called: PAX1-related condition.

Allele frequency attached by ClinVar (database versions not stated): gnomAD exomes 0.00015; ExAC 0.00187; 1000 Genomes Project 0.00260; gnomAD 0.00319; TOPMed 0.00351; 1000 Genomes Project 30x 0.00359.
gnomAD v4.1: 874 of 1,279,030 alleles (0.068%); highest among the groups gnomAD compares: African/African-American, 1.2%; 6 homozygotes.

Submissions (5):

CeGaT Center for Human Genetics Tuebingen
Classification: Likely benign. Last evaluated: 2026-09-01. Review status: criteria provided, single submitter. Criteria: CeGaT Center For Human Genetics Tuebingen Variant Classification Criteria Version 2. Collection method: clinical testing. Allele origin: germline. Affected: yes. Observed: 1 variant allele.
Comment: PAX1: BP4, BP7, BS1

Labcorp Genetics (formerly Invitae), Labcorp
Classification: Benign. Last evaluated: 2026-01-18. Review status: criteria provided, single submitter. Criteria: Invitae Variant Classification Sherloc (09022015). Collection method: clinical testing. Allele origin: germline.

Blueprint Genetics
Classification: Likely benign. Last evaluated: 2024-11-25. Review status: criteria provided, single submitter. Criteria: ACMG Guidelines, 2015. Collection method: clinical testing. Allele origin: germline.

Breakthrough Genomics
Classification: Benign. Review status: criteria provided, single submitter. Criteria: ACMG Guidelines, 2015. Collection method: not provided. Allele origin: germline. Inheritance: Autosomal recessive inheritance. Affected: yes.

PreventionGenetics, part of Exact Sciences
Classification: Likely benign for PAX1-related condition. Last evaluated: 2021-05-13. Review status: no assertion criteria provided. Collection method: clinical testing. Allele origin: germline. Not counted in ClinVar's aggregate classification.
Comment: This variant is classified as likely benign based on ACMG/AMP sequence variant interpretation guidelines (Richards et al. 2015 PMID: 25741868, with internal and published modifications).